The following is an entry in ClinVar:

NM_001737.5(C9):c.1346T>C (p.Val449Ala)

Gene: C9 (complement C9; minus strand). Cytogenetic location: 5p13.1.
Variant type: single nucleotide variant.
Coding change: c.1346T>C on transcript NM_001737.5 (MANE Select); coding-DNA position 1346, T replaced by C.
Protein change: p.Val449Ala; replaces valine 449 with alanine.
Molecular consequence: missense variant.
Genome position (GRCh38, 1-based): chr5:39,306,687, A>G on the plus strand (T>C on the coding strand, the complement: C9 is on the minus strand). VCF-style: chr5-39306687-A-G. GRCh37 (hg19) VCF-style: chr5-39306789-A-G.
Other names: short protein forms V449A.
Identifiers: ClinVar variation 2500114 (VCV002500114.2), dbSNP rs369139477, ClinGen allele CA3246725.

ClinVar aggregate classification (germline): Uncertain significance (1 of 4 stars; one submission).

Conditions:
Complement component 9 deficiency (C9D). Also called: C9 deficiency. Identifiers: MedGen C3151189, MONDO:0013445, OMIM 613825.
Age related macular degeneration 15. Also called: MACULAR DEGENERATION, AGE-RELATED, 15, SUSCEPTIBILITY TO. Identifiers: MedGen C3810042, MONDO:0014266, OMIM 615591.

Allele frequency attached by ClinVar (database versions not stated): ExAC 0.00001; gnomAD 0.00001; ESP Exome Variant Server 0.00008.
gnomAD v4.1: 3 of 1,613,448 alleles (0.00019%); highest among the groups gnomAD compares: African/African-American, 0.0027%; no homozygotes.

Submission:

Center for Genomics, Ann and Robert H. Lurie Children's Hospital of Chicago
Classification: Uncertain significance for Complement component 9 deficiency; Age related macular degeneration 15. Review status: criteria provided, single submitter. Criteria: ACMG Guidelines, 2015. Collection method: clinical testing. Allele origin: germline.
Comment: C9 NM_001737.4 exon 9 p.Val449Ala (c.1346T>C): This variant has not been reported in the literature but is present in 0.006% (1/16254) of African alleles in the Genome Aggregation Database. Evolutionary conservation and computational predictive tools suggest that this variant may not impact the protein. In summary, data on this variant is insufficient for disease classification. Therefore, the clinical significance of this variant is uncertain.